The following is an entry in ClinVar:

ClinVar aggregate classification (germline): Pathogenic (1 of 4 stars; one submission).

Conditions:
Amyotrophic lateral sclerosis type 2, juvenile. Also called: ALS, JUVENILE; Amyotrophic lateral sclerosis type 2. Identifiers: Orphanet 300605, MedGen C1859807, MONDO:0008780, OMIM 205100.

Submission:

Medical Genetics, Christian Medical College
Classification: Pathogenic for Amyotrophic lateral sclerosis type 2, juvenile. Review status: criteria provided, single submitter. Criteria: ACMG Guidelines, 2015. Collection method: clinical testing. Allele origin: germline. Inheritance: Autosomal recessive inheritance. Affected: yes. Observed: 2 variant alleles.
Comment: This variant has not been reported in the gnomAD database. The in silico prediction of the variant is damaging by MutationTaster2. The reference region is conserved across species. Based on ACMG guidelines the variant was classified as pathogenic.

NM_020919.4(ALS2):c.2707dup (p.Met903fs)

Gene: ALS2 (alsin Rho guanine nucleotide exchange factor ALS2; minus strand). Cytogenetic location: 2q33.1.
Variant type: Duplication.
Coding change: c.2707dup on transcript NM_020919.4 (MANE Select); coding-DNA position 2707, one base duplicated (A; older notation c.2707dupA).
Protein change: p.Met903fs; shifts the reading frame from methionine 903.
Molecular consequence: frameshift variant.
Genome position (GRCh38, 1-based): chr2:201,729,057, T duplicated on the plus strand (A on the coding strand, the reverse complement: ALS2 is on the minus strand); the first of 5 consecutive T bases (chr2:201,729,057-201,729,061); duplicating any one gives the same sequence. VCF-style (leftmost placement, unchanged base first): chr2-201729056-A-AT. GRCh37 (hg19) VCF-style: chr2-202593779-A-AT.
Other names: p.Met903AsnfsTer15; short protein forms M903fs.
Identifiers: ClinVar variation 1678522 (VCV001678522.3), dbSNP rs2106012637, ClinGen allele CA2573134370.